The following is an entry in ClinVar:

ClinVar aggregate classification (germline): Likely benign. Review status: criteria provided, single submitter (1 of 4 stars). 2 submissions from 2 submitters: Likely benign (1). 1 of the submissions does not count toward it. Last evaluated 2025-10-18.

Conditions:
COLQ-related disorder. Also called: COLQ-related condition.
Congenital myasthenic syndrome 5. Identifiers: Orphanet 590, MedGen C1864233, MONDO:0011281, OMIM 603034.

Allele frequency attached by ClinVar (database versions not stated): gnomAD exomes 0.00001; ExAC 0.00002.
gnomAD v4.1: 19 of 1,612,516 alleles (0.0012%); highest among the groups gnomAD compares: Non-Finnish European, 0.0016%; no homozygotes.

Submissions (2):

Labcorp Genetics (formerly Invitae), Labcorp
Classification: Likely benign for Congenital myasthenic syndrome 5. Last evaluated: 2025-10-18. Review status: criteria provided, single submitter. Criteria: Invitae Variant Classification Sherloc (09022015). Collection method: clinical testing. Allele origin: germline.

PreventionGenetics, part of Exact Sciences
Classification: Likely benign for COLQ-related condition. Last evaluated: 2022-04-11. Review status: no assertion criteria provided. Collection method: clinical testing. Allele origin: germline. Not counted in ClinVar's aggregate classification.
Comment: This variant is classified as likely benign based on ACMG/AMP sequence variant interpretation guidelines (Richards et al. 2015 PMID: 25741868, with internal and published modifications).

NM_005677.4(COLQ):c.718-5G>A

Gene: COLQ (collagen like tail subunit of asymmetric acetylcholinesterase; minus strand). Cytogenetic location: 3p25.1.
Variant type: single nucleotide variant.
Coding change: c.718-5G>A on transcript NM_005677.4 (MANE Select); 5 bases into the intron before coding-DNA position 718, G replaced by A.
Molecular consequence: intron variant.
Genome position (GRCh38, 1-based): chr3:15,466,442, C>T on the plus strand (G>A on the coding strand, the complement: COLQ is on the minus strand). VCF-style: chr3-15466442-C-T. GRCh37 (hg19) VCF-style: chr3-15507949-C-T.
Other names: c.616-5G>A (NM_080539.4); c.688-5G>A (NM_080538.2); c.718-5G>A (NM_005677.3).
Identifiers: ClinVar variation 1645120 (VCV001645120.10), dbSNP rs748890722, ClinGen allele CA2275984.